The following is an entry in ClinVar:

ClinVar aggregate classification (germline): Uncertain significance. Review status: criteria provided, multiple submitters, no conflicts (2 of 4 stars). 5 submissions from 5 submitters: Uncertain significance (5). Last evaluated 2026-05-18.

Conditions:
EPS8L2-related disorder. Also called: EPS8L2-related condition.

Allele frequency attached by ClinVar (database versions not stated): gnomAD exomes 0.00005 and 0.00012; gnomAD 0.00009; TOPMed 0.00011; 1000 Genomes Project 30x 0.00016; 1000 Genomes Project 0.00020.
gnomAD v4.1: 39 of 1,539,930 alleles (0.0025%); highest among the groups gnomAD compares: Admixed American, 0.069%; no homozygotes.

Submissions (5):

PreventionGenetics, part of Exact Sciences
Classification: Uncertain significance for EPS8L2-related condition. Last evaluated: 2026-05-18. Review status: criteria provided, single submitter. Criteria: ACMG Guidelines, 2015. Collection method: clinical testing. Allele origin: germline.
Comment: The EPS8L2 c.734G>A variant is predicted to result in the amino acid substitution p.Arg245Gln. To our knowledge, this variant has not been reported in the literature. This variant is reported in 0.071% of alleles in individuals of Latino descent in gnomAD. Although we suspect that this variant may be benign, at this time, the clinical significance of this variant is uncertain due to the absence of conclusive functional and genetic evidence.

Blueprint Genetics
Classification: Uncertain significance. Last evaluated: 2024-11-18. Review status: criteria provided, single submitter. Criteria: ACMG Guidelines, 2015. Collection method: clinical testing. Allele origin: germline.

Ambry Genetics
Classification: Uncertain significance. Last evaluated: 2024-11-10. Review status: criteria provided, single submitter. Criteria: Ambry Variant Classification Scheme 2023. Collection method: clinical testing. Allele origin: germline.

Mayo Clinic Laboratories, Mayo Clinic
Classification: Uncertain significance. Last evaluated: 2022-12-05. Review status: criteria provided, single submitter. Criteria: ACMG Guidelines, 2015. Collection method: clinical testing. Allele origin: germline. Observed: 1 variant allele.
Comment: BP4, PM2_supporting

Labcorp Genetics (formerly Invitae), Labcorp
Classification: Uncertain significance. Last evaluated: 2022-10-25. Review status: criteria provided, single submitter. Criteria: Invitae Variant Classification Sherloc (09022015). Collection method: clinical testing. Allele origin: germline.
Comment: This sequence change replaces arginine, which is basic and polar, with glutamine, which is neutral and polar, at codon 245 of the EPS8L2 protein (p.Arg245Gln). This variant is present in population databases (rs539991215, gnomAD 0.08%). This variant has not been reported in the literature in individuals affected with EPS8L2-related conditions. ClinVar contains an entry for this variant (Variation ID: 1508609). Algorithms developed to predict the effect of missense changes on protein structure and function are either unavailable or do not agree on the potential impact of this missense change (SIFT: "Tolerated"; PolyPhen-2: "Possibly Damaging"; Align-GVGD: "Class C0"). In summary, the available evidence is currently insufficient to determine the role of this variant in disease. Therefore, it has been classified as a Variant of Uncertain Significance.

NM_022772.4(EPS8L2):c.734G>A (p.Arg245Gln)

Gene: EPS8L2 (EPS8 signaling adaptor L2; plus strand). Cytogenetic location: 11p15.5.
Variant type: single nucleotide variant.
Coding change: c.734G>A on transcript NM_022772.4 (MANE Select); coding-DNA position 734, G replaced by A.
Protein change: p.Arg245Gln; replaces arginine 245 with glutamine.
Molecular consequence: missense variant.
Genome position (GRCh38, 1-based): chr11:721,318, G>A. VCF-style: chr11-721318-G-A. GRCh37 (hg19) VCF-style: chr11-721318-G-A.
Other names: p.Arg245Gln; c.734G>A (NM_022772.3); short protein forms R245Q.
Identifiers: ClinVar variation 1508609 (VCV001508609.7), dbSNP rs539991215, ClinGen allele CA216939543.
Genomic context (GRCh38, chr11:721,318, plus strand): 5'-GTGAGCAGCCGCCGTGTCCCCCATCAGGTTTCCGCCGTCGGGAGTCGCAGGAGGAGCCGC[G>A]GGCCGTGCTGGCTCAGAAGATAGAGAAGGAGACGGTGGGTGCCCGGGCCCGGCAGGTGGC-3'
Protein context (NP_073609.2, residues 235-255): FRRRESQEEP[Arg245Gln]AVLAQKIEKE